The following is an entry in ClinVar:

ClinVar aggregate classification (germline): Uncertain significance. Review status: criteria provided, multiple submitters, no conflicts (2 of 4 stars). 4 submissions from 4 submitters: Uncertain significance (3). 1 of the submissions does not count toward it. Last evaluated 2025-12-01.

Conditions:
Inborn genetic diseases. Identifiers: MedGen C0950123, MeSH D030342.
Meniere disease. Also called: Ménière's disease. Identifiers: MedGen C0025281, MONDO:0007972, OMIM 156000.

Allele frequency attached by ClinVar (database versions not stated): ExAC 0.00001; TOPMed 0.00004; gnomAD 0.00005; gnomAD exomes 0.00005.

Submissions (4):

Labcorp Genetics (formerly Invitae), Labcorp
Classification: Uncertain significance. Last evaluated: 2025-12-01. Review status: criteria provided, single submitter. Criteria: Invitae Variant Classification Sherloc (09022015). Collection method: clinical testing. Allele origin: germline.
Comment: This sequence change replaces arginine, which is basic and polar, with cysteine, which is neutral and slightly polar, at codon 295 of the MYO6 protein (p.Arg295Cys). This variant is present in population databases (rs745725232, gnomAD 0.01%). This variant has not been reported in the literature in individuals affected with MYO6-related conditions. ClinVar contains an entry for this variant (Variation ID: 3165774). Invitae Evidence Modeling of protein sequence and biophysical properties (such as structural, functional, and spatial information, amino acid conservation, physicochemical variation, residue mobility, and thermodynamic stability) indicates that this missense variant is not expected to disrupt MYO6 protein function with a negative predictive value of 80%. In summary, the available evidence is currently insufficient to determine the role of this variant in disease. Therefore, it has been classified as a Variant of Uncertain Significance.

GeneDx
Classification: Uncertain significance. Last evaluated: 2023-11-16. Review status: criteria provided, single submitter. Criteria: GeneDx Variant Classification Process June 2021. Collection method: clinical testing. Allele origin: germline. Affected: yes.
Comment: In silico analysis supports that this missense variant has a deleterious effect on protein structure/function; Has not been previously published as pathogenic or benign to our knowledge

Ambry Genetics
Classification: Uncertain significance for Inborn genetic diseases. Last evaluated: 2022-07-26. Review status: criteria provided, single submitter. Criteria: Ambry Variant Classification Scheme 2023. Collection method: clinical testing. Allele origin: germline.

Center for Computational Biology & Bioinformatics, University of California, San Diego
Classification: Uncertain significance for Meniere disease. Last evaluated: 2024-06-03. Review status: no assertion criteria provided. Collection method: research. Allele origin: germline. Affected: yes. Not counted in ClinVar's aggregate classification.

NM_004999.4(MYO6):c.883C>T (p.Arg295Cys)

Gene: MYO6 (myosin VI; plus strand). Cytogenetic location: 6q14.1.
Variant type: single nucleotide variant.
Coding change: c.883C>T on transcript NM_004999.4 (MANE Select); coding-DNA position 883, C replaced by T.
Protein change: p.Arg295Cys; replaces arginine 295 with cysteine.
Molecular consequence: missense variant. On other transcripts: non-coding transcript variant (1).
Genome position (GRCh38, 1-based): chr6:75,844,963, C>T. VCF-style: chr6-75844963-C-T. GRCh37 (hg19) VCF-style: chr6-76554680-C-T.
Other names: c.883C>T, p.Arg295Cys (NM_001300899.2, NM_001368136.1, NM_001368137.1 and 2 more transcripts); c.868C>T, p.Arg290Cys (NM_001368138.1); short protein forms R290C, R295C.
Identifiers: ClinVar variation 3165774 (VCV003165774.4), dbSNP rs745725232, ClinGen allele CA3896975.
Genomic context (GRCh38, chr6:75,844,963, plus strand): 5'-AACCGAGGCTGCACTAGATACTTTGCTAACAAAGAAACTGACAAACAGATTTTACAGAAC[C>T]GCAAAAGTCCTGAGGTATAGTAGACCATTGTTCATAAAATCTTTAACTTAAAAAAAAACT-3'
Protein context (NP_004990.3, residues 285-305): KETDKQILQN[Arg295Cys]KSPEYLKAGS